The following is an entry in ClinVar:

ClinVar aggregate classification (germline): Uncertain significance (1 of 4 stars; one submission).

Conditions:
Hereditary cancer-predisposing syndrome. Also called: Neoplastic Syndromes, Hereditary; Tumor predisposition; Hereditary neoplastic syndrome; Hereditary Cancer Syndrome. Identifiers: Orphanet 140162, MedGen C0027672, MeSH D009386, MONDO:0015356.

Submission:

Ambry Genetics
Classification: Uncertain significance for Hereditary cancer-predisposing syndrome. Last evaluated: 2026-09-01. Review status: criteria provided, single submitter. Criteria: Ambry Variant Classification Scheme 2023. Collection method: clinical testing. Allele origin: germline.
Comment: The p.S251R variant (also known as c.751A>C), located in coding exon 4 of the BARD1 gene, results from an A to C substitution at nucleotide position 751. The serine at codon 251 is replaced by arginine, an amino acid with dissimilar properties. This amino acid position is conserved. In addition, this alteration is predicted to be tolerated by in silico analysis. Based on the available evidence, the clinical significance of this variant remains unclear.

NM_000465.4(BARD1):c.751A>C (p.Ser251Arg)

Gene: BARD1 (BRCA1 associated RING domain 1; minus strand). Cytogenetic location: 2q35.
Variant type: single nucleotide variant.
Coding change: c.751A>C on transcript NM_000465.4 (MANE Select); coding-DNA position 751, A replaced by C.
Protein change: p.Ser251Arg; replaces serine 251 with arginine.
Molecular consequence: missense variant. On other transcripts: non-coding transcript variant (2), intron variant (3).
Genome position (GRCh38, 1-based): chr2:214,781,123, T>G on the plus strand (A>C on the coding strand, the complement: BARD1 is on the minus strand). VCF-style: chr2-214781123-T-G. GRCh37 (hg19) VCF-style: chr2-215645847-T-G.
Other names: c.694A>C, p.Ser232Arg (NM_001282543.2); c.158+28289A>C (NM_001282548.2); c.215+15938A>C (NM_001282545.2); c.364+11174A>C (NM_001282549.2); short protein forms S251R, S232R.
Identifiers: ClinVar variation 5032816 (VCV005032816.1).